The following is an entry in ClinVar:

ClinVar aggregate classification (germline): Likely benign (1 of 4 stars; one submission).

Allele frequency attached by ClinVar (database versions not stated): gnomAD exomes below 0.00001.
gnomAD v4.1: 3 of 1,614,020 alleles (0.00019%); highest among the groups gnomAD compares: East Asian, 0.0022%; no homozygotes.

Submission:

GeneDx
Classification: Likely benign. Last evaluated: 2016-11-25. Review status: criteria provided, single submitter. Criteria: GeneDx Variant Classification (06012015). Collection method: clinical testing. Allele origin: germline. Affected: yes.
Comment: This variant is considered likely benign or benign based on one or more of the following criteria: it is a conservative change, it occurs at a poorly conserved position in the protein, it is predicted to be benign by multiple in silico algorithms, and/or has population frequency not consistent with disease.

NM_003982.4(SLC7A7):c.1230A>G (p.Arg410=)

Gene: SLC7A7 (solute carrier family 7 member 7; minus strand). Cytogenetic location: 14q11.2.
Variant type: single nucleotide variant.
Coding change: c.1230A>G on transcript NM_003982.4 (MANE Select); coding-DNA position 1230, A replaced by G.
Protein change: p.Arg410=; no amino-acid change (arginine 410 retained).
Molecular consequence: synonymous variant.
Genome position (GRCh38, 1-based): chr14:22,774,369, T>C on the plus strand (A>G on the coding strand, the complement: SLC7A7 is on the minus strand). VCF-style: chr14-22774369-T-C. GRCh37 (hg19) VCF-style: chr14-23243578-T-C.
Other names: c.1230A>G, p.Arg410= (NM_001126105.3, NM_001126106.4).
Identifiers: ClinVar variation 390907 (VCV000390907.1), dbSNP rs1057523919, ClinGen allele CA16606520.